The following is an entry in ClinVar:

NM_014258.4(SYCP2):c.4248C>T (p.Phe1416=)

Gene: SYCP2 (synaptonemal complex protein 2; minus strand). Cytogenetic location: 20q13.33.
Variant type: single nucleotide variant.
Coding change: c.4248C>T on transcript NM_014258.4 (MANE Select); coding-DNA position 4248, C replaced by T.
Protein change: p.Phe1416=; no amino-acid change (phenylalanine 1416 retained).
Molecular consequence: synonymous variant.
Genome position (GRCh38, 1-based): chr20:59,866,365, G>A on the plus strand (C>T on the coding strand, the complement: SYCP2 is on the minus strand). VCF-style: chr20-59866365-G-A. GRCh37 (hg19) VCF-style: chr20-58441420-G-A.
Identifiers: ClinVar variation 2652458 (VCV002652458.24), dbSNP rs759695171, ClinGen allele CA316393145.
Genomic context (GRCh38, chr20:59,866,365, plus strand): 5'-TTCCAAATCTTTTAAAGACTGTGAATCTTTTTCAAAATTCTCCAGCTCCTCTATGATAAT[G>A]AATTGGAATTTATCAAGTTTTTTAATCCTATTACAGAAACAAAATGAGATTAATTTTAAA-3'
Protein context (NP_055073.2, residues 1406-1426): SRIKKLDKFQ[Phe1416=]IIIEELENFE

ClinVar aggregate classification (germline): Likely benign (1 of 4 stars; one submission).

Allele frequency attached by ClinVar (database versions not stated): TOPMed 0.00001.

Submission:

CeGaT Center for Human Genetics Tuebingen
Classification: Likely benign. Last evaluated: 2023-02-01. Review status: criteria provided, single submitter. Criteria: CeGaT Center For Human Genetics Tuebingen Variant Classification Criteria Version 2. Collection method: clinical testing. Allele origin: germline. Affected: yes. Observed: 1 variant allele.
Comment: SYCP2: BP4, BP7